The following is an entry in ClinVar:

ClinVar aggregate classification (germline): Uncertain significance. Review status: criteria provided, multiple submitters, no conflicts (2 of 4 stars). 2 submissions from 2 submitters: Uncertain significance (2). Last evaluated 2024-01-28.

Conditions:
Neurofibromatosis, type 1 (NF1). Also called: VON RECKLINGHAUSEN DISEASE; NEUROFIBROMATOSIS, TYPE I, SOMATIC; Peripheral type neurofibromatosis; Neurofibromatosis, type I. Identifiers: Orphanet 636, MedGen C0027831, MONDO:0018975, OMIM 162200. Disease mechanism: loss of function.
Hereditary cancer-predisposing syndrome. Also called: Tumor predisposition; Neoplastic Syndromes, Hereditary; Hereditary Cancer Syndrome; Hereditary neoplastic syndrome. Identifiers: Orphanet 140162, MedGen C0027672, MeSH D009386, MONDO:0015356.
Cardiovascular phenotype. Identifiers: MedGen CN230736.

Submissions (2):

Labcorp Genetics (formerly Invitae), Labcorp
Classification: Uncertain significance for Neurofibromatosis, type 1. Last evaluated: 2024-01-28. Review status: criteria provided, single submitter. Criteria: Invitae Variant Classification Sherloc (09022015). Collection method: clinical testing. Allele origin: germline.
Comment: This sequence change replaces alanine, which is neutral and non-polar, with proline, which is neutral and non-polar, at codon 502 of the NF1 protein (p.Ala502Pro). This variant is not present in population databases (gnomAD no frequency). This variant has not been reported in the literature in individuals affected with NF1-related conditions. ClinVar contains an entry for this variant (Variation ID: 1774064). Advanced modeling of protein sequence and biophysical properties (such as structural, functional, and spatial information, amino acid conservation, physicochemical variation, residue mobility, and thermodynamic stability) has been performed at Invitae for this missense variant, however the output from this modeling did not meet the statistical confidence thresholds required to predict the impact of this variant on NF1 protein function. In summary, the available evidence is currently insufficient to determine the role of this variant in disease. Therefore, it has been classified as a Variant of Uncertain Significance.

Ambry Genetics
Classification: Uncertain significance for Cardiovascular phenotype; Hereditary cancer-predisposing syndrome. Last evaluated: 2016-06-27. Review status: criteria provided, single submitter. Criteria: Ambry Variant Classification Scheme 2023. Collection method: clinical testing. Allele origin: germline.
Comment: The p.A502P variant (also known as c.1504G>C), located in coding exon 13 of the NF1 gene, results from a G to C substitution at nucleotide position 1504. The alanine at codon 502 is replaced by proline, an amino acid with highly similar properties. This variant was not reported in population based cohorts in the following databases: Database of Single Nucleotide Polymorphisms (dbSNP), NHLBI Exome Sequencing Project (ESP), and 1000 Genomes Project. In the ESP, this variant was not observed in 6500 samples (13000 alleles) with coverage at this position. This amino acid position is highly conserved in available vertebrate species. In addition, the in silico prediction for this alteration is inconclusive. Based on available evidence to date, the clinical significance of this variant remains unclear.

NM_001042492.3(NF1):c.1504G>C (p.Ala502Pro)

Gene: NF1 (neurofibromin 1; plus strand). Cytogenetic location: 17q11.2.
Variant type: single nucleotide variant.
Coding change: c.1504G>C on transcript NM_001042492.3 (MANE Select); coding-DNA position 1504, G replaced by C.
Protein change: p.Ala502Pro; replaces alanine 502 with proline.
Molecular consequence: missense variant.
Genome position (GRCh38, 1-based): chr17:31,214,562, G>C. VCF-style: chr17-31214562-G-C. GRCh37 (hg19) VCF-style: chr17-29541580-G-C.
Other names: c.1504G>C, p.Ala502Pro (NM_000267.4, NM_001128147.3); short protein forms A502P.
Identifiers: ClinVar variation 1774064 (VCV001774064.4), dbSNP rs2143960377, ClinGen allele CA399001657.